The following is an entry in ClinVar:

ClinVar aggregate classification (germline): Uncertain significance (1 of 4 stars; one submission).

Conditions:
Adenylosuccinate lyase deficiency (ADSLD). Also called: ADSL DEFICIENCY. Identifiers: Orphanet 46, MedGen C0268126, MONDO:0007068, OMIM 103050.

Submission:

Labcorp Genetics (formerly Invitae), Labcorp
Classification: Uncertain significance for Adenylosuccinate lyase deficiency. Last evaluated: 2024-11-05. Review status: criteria provided, single submitter. Criteria: Invitae Variant Classification Sherloc (09022015). Collection method: clinical testing. Allele origin: germline.
Comment: This variant occurs in a non-coding region of the ADSL gene. It does not change the encoded amino acid sequence of the ADSL protein. The frequency data for this variant in the population databases is considered unreliable, as metrics indicate poor data quality at this position in the gnomAD database. This variant has not been reported in the literature in individuals affected with ADSL-related conditions. Experimental studies and prediction algorithms are not available or were not evaluated, and the functional significance of this variant is currently unknown. In summary, the available evidence is currently insufficient to determine the role of this variant in disease. Therefore, it has been classified as a Variant of Uncertain Significance.

NC_000022.11:g.40345647dup

Gene: ADSL (adenylosuccinate lyase; plus strand). Cytogenetic location: 22q13.1.
Variant type: Duplication.
Genome position: GRCh38 VCF-style: chr22-40345641-A-AT. GRCh37 (hg19) VCF-style: chr22-40741645-A-AT.
Identifiers: ClinVar variation 1500216 (VCV001500216.5), dbSNP rs113688962, ClinGen allele CA324446332.